The following is an entry in ClinVar:

ClinVar aggregate classification (germline): Uncertain significance (1 of 4 stars; one submission).

Conditions:
Hereditary cancer-predisposing syndrome. Also called: Neoplastic Syndromes, Hereditary; Tumor predisposition; Hereditary neoplastic syndrome; Hereditary Cancer Syndrome. Identifiers: Orphanet 140162, MedGen C0027672, MeSH D009386, MONDO:0015356.

Submission:

Ambry Genetics
Classification: Uncertain significance for Hereditary cancer-predisposing syndrome. Last evaluated: 2026-08-20. Review status: criteria provided, single submitter. Criteria: Ambry Variant Classification Scheme 2023. Collection method: clinical testing. Allele origin: germline.
Comment: The p.P1319H variant (also known as c.3956C>A), located in coding exon 15 of the APC gene, results from a C to A substitution at nucleotide position 3956. The proline at codon 1319 is replaced by histidine, an amino acid with similar properties. This amino acid position is conserved. In addition, in silico predictors for this gene do not accurately predict pathogenicity. Based on the available evidence, the clinical significance of this variant remains unclear.

NM_000038.6(APC):c.3956C>A (p.Pro1319His)

Gene: APC (APC regulator of Wnt signaling pathway; plus strand). Cytogenetic location: 5q22.2.
Variant type: single nucleotide variant.
Coding change: c.3956C>A on transcript NM_000038.6 (MANE Select); coding-DNA position 3956, C replaced by A.
Protein change: p.Pro1319His; replaces proline 1319 with histidine.
Molecular consequence: missense variant. On other transcripts: non-coding transcript variant (2).
Genome position (GRCh38, 1-based): chr5:112,839,550, C>A. VCF-style: chr5-112839550-C-A. GRCh37 (hg19) VCF-style: chr5-112175247-C-A.
Other names: c.3956C>A, p.Pro1319His (NM_001127510.3, NM_001354895.2, NM_001407450.1); c.3902C>A, p.Pro1301His (NM_001127511.3); c.4010C>A, p.Pro1337His (NM_001354896.2, NM_001407447.1, NM_001407448.1 and 1 more transcripts); c.3986C>A, p.Pro1329His (NM_001354897.2); c.3881C>A, p.Pro1294His (NM_001354898.2); c.3872C>A, p.Pro1291His (NM_001354899.2); c.3833C>A, p.Pro1278His (NM_001354900.2); c.3779C>A, p.Pro1260His (NM_001354901.2, NM_001407453.1); and 11 more; short protein forms P1193H, P1278H, P1301H, P1329H, P1218H, P1260H, P1291H, P1312H.
Identifiers: ClinVar variation 5024468 (VCV005024468.1).